The following is an entry in ClinVar:

NM_006766.5(KAT6A):c.3778A>G (p.Ser1260Gly)

Gene: KAT6A (lysine acetyltransferase 6A; minus strand). Cytogenetic location: 8p11.21.
Variant type: single nucleotide variant.
Coding change: c.3778A>G on transcript NM_006766.5 (MANE Select); coding-DNA position 3778, A replaced by G.
Protein change: p.Ser1260Gly; replaces serine 1260 with glycine.
Molecular consequence: missense variant.
Genome position (GRCh38, 1-based): chr8:41,934,442, T>C on the plus strand (A>G on the coding strand, the complement: KAT6A is on the minus strand). VCF-style: chr8-41934442-T-C. GRCh37 (hg19) VCF-style: chr8-41791960-T-C.
Other names: short protein forms S1260G.
Identifiers: ClinVar variation 1028556 (VCV001028556.7), dbSNP rs774544767, ClinGen allele CA4729612.

ClinVar aggregate classification (germline): Conflicting classifications of pathogenicity. Review status: criteria provided, conflicting classifications (1 of 4 stars). 3 submissions from 3 submitters: Uncertain significance (2); Likely benign (1). Last evaluated 2025-08-24.

Conditions:
Autosomal dominant intellectual disability-craniofacial anomalies-cardiac defects syndrome (ARTHS). Also called: Arboleda-Tham syndrome; Mental retardation, autosomal dominant 32; KAT6A syndrome. Identifiers: Orphanet 457193, MedGen C4225396, MONDO:0014558, OMIM 616268.
Inborn genetic diseases. Identifiers: MedGen C0950123, MeSH D030342.

Allele frequency attached by ClinVar (database versions not stated): gnomAD exomes below 0.00001; ExAC 0.00001.

Submissions (3):

Ambry Genetics
Classification: Uncertain significance for Inborn genetic diseases. Last evaluated: 2025-08-24. Review status: criteria provided, single submitter. Criteria: Ambry Variant Classification Scheme 2023. Collection method: clinical testing. Allele origin: germline.

Labcorp Genetics (formerly Invitae), Labcorp
Classification: Likely benign. Last evaluated: 2024-04-08. Review status: criteria provided, single submitter. Criteria: Invitae Variant Classification Sherloc (09022015). Collection method: clinical testing. Allele origin: germline.

Baylor Genetics
Classification: Uncertain significance for Autosomal dominant intellectual disability-craniofacial anomalies-cardiac defects syndrome. Last evaluated: 2020-01-02. Review status: criteria provided, single submitter. Criteria: ACMG Guidelines, 2015. Collection method: clinical testing. Allele origin: unknown. Affected: yes.
Comment: This variant was determined to be of uncertain significance according to ACMG Guidelines, 2015 [PMID:25741868].